The following is an entry in ClinVar:

ClinVar aggregate classification (germline): Uncertain significance (1 of 4 stars; one submission).

Conditions:
Early-infantile DEE. Also called: Ohtahara syndrome; Early infantile epileptic encephalopathy with suppression bursts; Early infantile epileptic encephalopathy. Identifiers: Orphanet 1934, MedGen C0393706, MONDO:0800491.

Submission:

Labcorp Genetics (formerly Invitae), Labcorp
Classification: Uncertain significance for Early-infantile DEE. Last evaluated: 2025-10-19. Review status: criteria provided, single submitter. Criteria: Invitae Variant Classification Sherloc (09022015). Collection method: clinical testing. Allele origin: germline.
Comment: This sequence change replaces alanine, which is neutral and non-polar, with valine, which is neutral and non-polar, at codon 501 of the KCNQ2 protein (p.Ala501Val). The frequency data for this variant in the population databases is considered unreliable, as metrics indicate poor data quality at this position in the gnomAD database. This variant has not been reported in the literature in individuals affected with KCNQ2-related conditions. ClinVar contains an entry for this variant (Variation ID: 851545). An algorithm developed to predict the effect of missense changes on protein structure and function (PolyPhen-2) suggests that this variant is likely to be tolerated. In summary, the available evidence is currently insufficient to determine the role of this variant in disease. Therefore, it has been classified as a Variant of Uncertain Significance.

NM_172107.4(KCNQ2):c.1502_1503delinsTG (p.Ala501Val)

Gene: KCNQ2 (potassium voltage-gated channel subfamily Q member 2; minus strand). Cytogenetic location: 20q13.33.
Variant type: Indel.
Coding change: c.1502_1503delinsTG on transcript NM_172107.4 (MANE Select); coding-DNA positions 1502 to 1503, CC replaced by TG.
Protein change: p.Ala501Val; replaces alanine 501 with valine.
Molecular consequence: missense variant.
Genome position (GRCh38, 1-based): chr20:63,414,925-63,414,926, GG replaced by CA on the plus strand (CC replaced by TG on the coding strand, the reverse complement: KCNQ2 is on the minus strand). VCF-style: chr20-63414925-GG-CA. GRCh37 (hg19) VCF-style: chr20-62046278-GG-CA.
Other names: c.1418_1419delinsTG, p.Ala473Val (NM_004518.6); c.1448_1449delinsTG, p.Ala483Val (NM_172106.3); c.1412_1413delinsTG, p.Ala471Val (NM_172108.5); short protein forms A471V, A473V, A501V, A483V.
Identifiers: ClinVar variation 851545 (VCV000851545.10), dbSNP rs2080237716, ClinGen allele CA916083768.